The following is an entry in ClinVar:

NM_005732.4(RAD50):c.3782A>G (p.Asn1261Ser)

Genes: RAD50 (RAD50 double strand break repair protein; plus strand), TH2LCRR (T helper type 2 locus control region associated RNA; minus strand). Cytogenetic location: 5q31.1.
Variant type: single nucleotide variant.
Coding change: c.3782A>G on transcript NM_005732.4 (MANE Select); coding-DNA position 3782, A replaced by G.
Protein change: p.Asn1261Ser; replaces asparagine 1261 with serine.
Molecular consequence: missense variant. On other transcripts: non-coding transcript variant (1).
Genome position (GRCh38, 1-based): chr5:132,642,207, A>G. VCF-style: chr5-132642207-A-G. GRCh37 (hg19) VCF-style: chr5-131977899-A-G.
Other names: short protein forms N1261S.
Identifiers: ClinVar variation 1734857 (VCV001734857.2), dbSNP rs2479439951, ClinGen allele CA360935727.
Genomic context (GRCh38, chr5:132,642,207, plus strand): 5'-CTAATAATATGTTCTGAATATATTGTTGCAGGATAATAAAAAGTCGCTCACAGCAGCGTA[A>G]CTTCCAGCTTCTGGTAATCACTCATGATGAAGATTTTGTGGAGCTTTTAGGACGTTCTGA-3'
Protein context (NP_005723.2, residues 1251-1271): EIIKSRSQQR[Asn1261Ser]FQLLVITHDE

ClinVar aggregate classification (germline): Uncertain significance (1 of 4 stars; one submission).

Conditions:
Hereditary cancer-predisposing syndrome. Also called: Neoplastic Syndromes, Hereditary; Tumor predisposition; Hereditary Cancer Syndrome; Hereditary neoplastic syndrome. Identifiers: Orphanet 140162, MedGen C0027672, MeSH D009386, MONDO:0015356.

Submission:

Ambry Genetics
Classification: Uncertain significance for Hereditary cancer-predisposing syndrome. Last evaluated: 2016-09-28. Review status: criteria provided, single submitter. Criteria: Ambry Variant Classification Scheme 2023. Collection method: clinical testing. Allele origin: germline.
Comment: The p.N1261S variant (also known as c.3782A>G), located in coding exon 25 of the RAD50 gene, results from an A to G substitution at nucleotide position 3782. The asparagine at codon 1261 is replaced by serine, an amino acid with highly similar properties. This variant was not reported in population based cohorts in the following databases: Database of Single Nucleotide Polymorphisms (dbSNP), NHLBI Exome Sequencing Project (ESP), and 1000 Genomes Project. In the ESP, this variant was not observed in 6503 samples (13006 alleles) with coverage at this position. To date, this alteration has been detected with an allele frequency of approximately 0.001% (greater than 175000 alleles tested) in our clinical cohort. This amino acid position is highly conserved in available vertebrate species. In addition, this alteration is predicted to be tolerated by in silico analysis. Since supporting evidence is limited at this time, the clinical significance of this alteration remains unclear.